The following is an entry in ClinVar:

NM_001029883.3(PCARE):c.2323G>A (p.Ala775Thr)

Gene: PCARE (photoreceptor cilium actin regulator; minus strand). Cytogenetic location: 2p23.2.
Variant type: single nucleotide variant.
Coding change: c.2323G>A on transcript NM_001029883.3 (MANE Select); coding-DNA position 2323, G replaced by A.
Protein change: p.Ala775Thr; replaces alanine 775 with threonine.
Molecular consequence: missense variant.
Genome position (GRCh38, 1-based): chr2:29,071,939, C>T on the plus strand (G>A on the coding strand, the complement: PCARE is on the minus strand). VCF-style: chr2-29071939-C-T. GRCh37 (hg19) VCF-style: chr2-29294805-C-T.
Other names: short protein forms A775T.
Identifiers: ClinVar variation 1019906 (VCV001019906.6), dbSNP rs376533270, ClinGen allele CA1592230.

ClinVar aggregate classification (germline): Uncertain significance (1 of 4 stars; one submission).

Allele frequency attached by ClinVar (database versions not stated): ExAC 0.00003; TOPMed 0.00007; ESP Exome Variant Server 0.00008; gnomAD 0.00008 and 0.00009; 1000 Genomes Project 30x 0.00016.
gnomAD v4.1: 20 of 1,614,188 alleles (0.0012%); highest among the groups gnomAD compares: African/African-American, 0.025%; no homozygotes.

Submission:

Labcorp Genetics (formerly Invitae), Labcorp
Classification: Uncertain significance. Last evaluated: 2025-01-23. Review status: criteria provided, single submitter. Criteria: Invitae Variant Classification Sherloc (09022015). Collection method: clinical testing. Allele origin: germline.
Comment: This sequence change replaces alanine, which is neutral and non-polar, with threonine, which is neutral and polar, at codon 775 of the PCARE protein (p.Ala775Thr). This variant is present in population databases (rs376533270, gnomAD 0.04%). This missense change has been observed in individual(s) with retinitis pigmentosa (PMID: 31047384). ClinVar contains an entry for this variant (Variation ID: 1019906). An algorithm developed to predict the effect of missense changes on protein structure and function (PolyPhen-2) suggests that this variant is likely to be disruptive. In summary, the available evidence is currently insufficient to determine the role of this variant in disease. Therefore, it has been classified as a Variant of Uncertain Significance.

Literature cited by the submitters: PubMed 31047384.